The following is an entry in ClinVar:

NM_000256.3(MYBPC3):c.654+1G>A

Gene: MYBPC3 (myosin binding protein C3; minus strand). Cytogenetic location: 11p11.2.
Variant type: single nucleotide variant.
Coding change: c.654+1G>A on transcript NM_000256.3 (MANE Select); the canonical splice donor site of the intron after coding-DNA position 654, G replaced by A.
Molecular consequence: splice donor variant.
Genome position (GRCh38, 1-based): chr11:47,349,773, C>T on the plus strand (G>A on the coding strand, the complement: MYBPC3 is on the minus strand). VCF-style: chr11-47349773-C-T. GRCh37 (hg19) VCF-style: chr11-47371324-C-T.
Identifiers: ClinVar variation 440947 (VCV000440947.9), dbSNP rs730880621, ClinGen allele CA221706500.

ClinVar aggregate classification (germline): Conflicting classifications of pathogenicity. Review status: criteria provided, conflicting classifications (1 of 4 stars). 7 submissions from 7 submitters: Pathogenic (3); Likely pathogenic (1); Uncertain significance (1). 2 of the submissions do not count toward it. Last evaluated 2025-01-19.

Conditions:
Hypertrophic cardiomyopathy 4. Also called: Familial hypertrophic cardiomyopathy 4. Identifiers: MedGen C1861862, MONDO:0007268, OMIM 115197.
Hypertrophic cardiomyopathy. Also called: HYPERTROPHIC MYOCARDIOPATHY. Identifiers: Orphanet 217569, MedGen C0007194, MeSH D002312, MONDO:0005045, HP:0001639.
Cardiovascular phenotype. Identifiers: MedGen CN230736.

gnomAD v4.1: 1 of 1,603,826 alleles (0.000062%); highest among the groups gnomAD compares: Non-Finnish European, 0.000085%; no homozygotes.

Submissions (7):

Labcorp Genetics (formerly Invitae), Labcorp
Classification: Likely pathogenic for Hypertrophic cardiomyopathy. Last evaluated: 2025-01-19. Review status: criteria provided, single submitter. Criteria: Invitae Variant Classification Sherloc (09022015). Collection method: clinical testing. Allele origin: germline.
Comment: This sequence change affects a donor splice site in intron 5 of the MYBPC3 gene. It is expected to disrupt RNA splicing. Variants that disrupt the donor or acceptor splice site typically lead to a loss of protein function (PMID: 16199547), and loss-of-function variants in MYBPC3 are known to be pathogenic (PMID: 19574547). This variant is not present in population databases (gnomAD no frequency). Disruption of this splice site has been observed in individual(s) with hypertrophic cardiomyopathy (PMID: 29661763). ClinVar contains an entry for this variant (Variation ID: 440947). Algorithms developed to predict the effect of sequence changes on RNA splicing suggest that this variant may disrupt the consensus splice site. In summary, the currently available evidence indicates that the variant is pathogenic, but additional data are needed to prove that conclusively. Therefore, this variant has been classified as Likely Pathogenic.

Ambry Genetics
Classification: Uncertain significance for Cardiovascular phenotype. Last evaluated: 2024-09-13. Review status: criteria provided, single submitter. Criteria: Ambry Variant Classification Scheme 2023. Collection method: clinical testing. Allele origin: germline.
Comment: The c.654+1G>A intronic variant results from a G to A substitution one nucleotide after coding exon 5 of the MYBPC3 gene. This alteration has been reported in a hypertrophic cardiomyopathy (HCM) cohort (van Velzen HG et al. Circ Genom Precis Med, 2018 04;11:e001896). Alterations that disrupt the canonical splice site are expected to result in aberrant splicing. In silico splice site analysis predicts that this alteration will weaken the native splice donor site and will result in the creation or strengthening of a novel splice donor site. The resulting transcript is predicted to be in-frame and is not expected to trigger nonsense-mediated mRNAdecay; however, direct evidence is unavailable. The exact functional effect of the altered amino acid sequence is unknown. This nucleotide position is highly conserved in available vertebrate species. Based on the available evidence, the clinical significance of this variant remains unclear.

3billion
Classification: Pathogenic for Hypertrophic cardiomyopathy 4. Last evaluated: 2024-01-31. Review status: criteria provided, single submitter. Criteria: ACMG Guidelines, 2015. Collection method: clinical testing. Allele origin: germline. Affected: yes.
Comment: The variant is not observed in the gnomAD v2.1.1 dataset. Predicted Consequence/Location: Canonical splice site: predicted to alter splicing and result in a loss or disruption of normal protein function. Multiple pathogenic loss-of-function variants are reported downstream of the variant. The variant has been reported at least twice as pathogenic with clinical assertions and evidence for the classification (ClinVar ID: VCV000440947 /PMID: 29661763). Therefore, this variant is classified as Pathogenic according to the recommendation of ACMG/AMP guideline.

Genome Diagnostics Laboratory, University Medical Center Utrecht
Classification: Pathogenic for Hypertrophic cardiomyopathy 4. Last evaluated: 2017-07-28. Review status: criteria provided, single submitter. Criteria: ACGS Guidelines, 2013. Collection method: clinical testing. Allele origin: germline. Affected: yes. Study: VKGL Data-share Consensus.

Clinical Genetics DNA and cytogenetics Diagnostics Lab, Erasmus MC, Erasmus Medical Center
Classification: Pathogenic for Hypertrophic cardiomyopathy 4. Last evaluated: 2015-09-21. Review status: criteria provided, single submitter. Criteria: ACGS Guidelines, 2013. Collection method: clinical testing. Allele origin: germline. Affected: yes. Study: VKGL Data-share Consensus.

Clinical Genetics, Academic Medical Center
Classification: Pathogenic. Review status: no assertion criteria provided. Collection method: clinical testing. Allele origin: germline. Affected: yes. Study: VKGL Data-share Consensus. Not counted in ClinVar's aggregate classification.

Diagnostic Laboratory, Department of Genetics, University Medical Center Groningen
Classification: Pathogenic for Hypertrophic cardiomyopathy 4. Review status: no assertion criteria provided. Collection method: clinical testing. Allele origin: germline. Affected: yes. Study: VKGL Data-share Consensus. Not counted in ClinVar's aggregate classification.

Literature cited by the submitters: PubMed 16199547 (cited by Labcorp Genetics (formerly Invitae), Labcorp); PubMed 19574547 (cited by Labcorp Genetics (formerly Invitae), Labcorp); PubMed 29661763 (cited by 3 submitters).